The following is an entry in ClinVar:

ClinVar aggregate classification (germline): Uncertain significance (1 of 4 stars; one submission).

Allele frequency attached by ClinVar (database versions not stated): gnomAD 0.00001; gnomAD exomes 0.00002; TOPMed 0.00004; ESP Exome Variant Server 0.00008.

Submission:

Labcorp Genetics (formerly Invitae), Labcorp
Classification: Uncertain significance. Last evaluated: 2025-09-08. Review status: criteria provided, single submitter. Criteria: Invitae Variant Classification Sherloc (09022015). Collection method: clinical testing. Allele origin: germline.
Comment: This sequence change replaces alanine, which is neutral and non-polar, with threonine, which is neutral and polar, at codon 380 of the TBX19 protein (p.Ala380Thr). This variant is present in population databases (rs370573055, gnomAD 0.002%). This variant has not been reported in the literature in individuals affected with TBX19-related conditions. ClinVar contains an entry for this variant (Variation ID: 2072989). An algorithm developed to predict the effect of missense changes on protein structure and function outputs the following: PolyPhen-2: "Benign". The threonine amino acid residue is found in multiple mammalian species, which suggests that this missense change does not adversely affect protein function. In summary, the available evidence is currently insufficient to determine the role of this variant in disease. Therefore, it has been classified as a Variant of Uncertain Significance.

NM_005149.3(TBX19):c.1138G>A (p.Ala380Thr)

Gene: TBX19 (T-box transcription factor 19; plus strand). Cytogenetic location: 1q24.2.
Variant type: single nucleotide variant.
Coding change: c.1138G>A on transcript NM_005149.3 (MANE Select); coding-DNA position 1138, G replaced by A.
Protein change: p.Ala380Thr; replaces alanine 380 with threonine.
Molecular consequence: missense variant.
Genome position (GRCh38, 1-based): chr1:168,312,793, G>A. VCF-style: chr1-168312793-G-A. GRCh37 (hg19) VCF-style: chr1-168282031-G-A.
Other names: short protein forms A380T.
Identifiers: ClinVar variation 2072989 (VCV002072989.4), dbSNP rs370573055, ClinGen allele CA31424805.